The following is an entry in ClinVar:

ClinVar aggregate classification (germline): Uncertain significance. Review status: criteria provided, multiple submitters, no conflicts (2 of 4 stars). 2 submissions from 2 submitters: Uncertain significance (2). Last evaluated 2025-08-02.

Allele frequency attached by ClinVar (database versions not stated): gnomAD exomes below 0.00001 and 0.00001; ExAC 0.00001; TOPMed 0.00001.
gnomAD v4.1: 3 of 1,613,832 alleles (0.00019%); highest among the groups gnomAD compares: Admixed American, 0.005%; no homozygotes.

Submissions (2):

Ambry Genetics
Classification: Uncertain significance. Last evaluated: 2025-08-02. Review status: criteria provided, single submitter. Criteria: Ambry Variant Classification Scheme 2023. Collection method: clinical testing. Allele origin: germline.

Labcorp Genetics (formerly Invitae), Labcorp
Classification: Uncertain significance. Last evaluated: 2022-08-21. Review status: criteria provided, single submitter. Criteria: Invitae Variant Classification Sherloc (09022015). Collection method: clinical testing. Allele origin: germline.
Comment: ClinVar contains an entry for this variant (Variation ID: 1359741). This sequence change replaces aspartic acid, which is acidic and polar, with glycine, which is neutral and non-polar, at codon 269 of the OR2W3 protein (p.Asp269Gly). This variant is present in population databases (rs766763378, gnomAD 0.009%). This variant has not been reported in the literature in individuals affected with OR2W3-related conditions. Algorithms developed to predict the effect of missense changes on protein structure and function are either unavailable or do not agree on the potential impact of this missense change (SIFT: "Deleterious"; PolyPhen-2: "Possibly Damaging"; Align-GVGD: "Class C15"). In summary, the available evidence is currently insufficient to determine the role of this variant in disease. Therefore, it has been classified as a Variant of Uncertain Significance.

NM_001001957.2(OR2W3):c.806A>G (p.Asp269Gly)

Gene: OR2W3 (olfactory receptor family 2 subfamily W member 3; plus strand). Cytogenetic location: 1q44.
Variant type: single nucleotide variant.
Coding change: c.806A>G on transcript NM_001001957.2 (MANE Select); coding-DNA position 806, A replaced by G.
Protein change: p.Asp269Gly; replaces aspartic acid 269 with glycine.
Molecular consequence: missense variant.
Genome position (GRCh38, 1-based): chr1:247,896,392, A>G. VCF-style: chr1-247896392-A-G. GRCh37 (hg19) VCF-style: chr1-248059694-A-G.
Other names: short protein forms D269G.
Identifiers: ClinVar variation 1359741 (VCV001359741.8), dbSNP rs766763378, ClinGen allele CA1498684.